The following is an entry in ClinVar:

NM_001048174.2(MUTYH):c.965A>T (p.Asp322Val)

Gene: MUTYH (mutY DNA glycosylase; minus strand). Cytogenetic location: 1p34.1.
Variant type: single nucleotide variant.
Coding change: c.965A>T on transcript NM_001048174.2 (MANE Select); coding-DNA position 965, A replaced by T.
Protein change: p.Asp322Val; replaces aspartic acid 322 with valine.
Molecular consequence: missense variant. On other transcripts: non-coding transcript variant (7).
Genome position (GRCh38, 1-based): chr1:45,331,798, T>A on the plus strand (A>T on the coding strand, the complement: MUTYH is on the minus strand). VCF-style: chr1-45331798-T-A. GRCh37 (hg19) VCF-style: chr1-45797470-T-A.
Other names: c.998A>T, p.Asp333Val (NM_001293191.2, NM_001407069.1, NM_001407077.1); c.689A>T, p.Asp230Val (NM_001293192.2, NM_001293196.2, NM_001407091.1); c.965A>T, p.Asp322Val (NM_001293195.2, NM_001407070.1, NM_001407088.1 and 6 more transcripts); c.620A>T, p.Asp207Val (NM_001350650.2, NM_001350651.2, NM_001407082.1); c.968A>T, p.Asp323Val (NM_001407071.1, NM_001407086.1, NM_001048172.2 and 1 more transcripts); c.1007A>T, p.Asp336Val (NM_001407085.1, NM_001407083.1); c.986A>T, p.Asp329Val (NM_001407087.1); c.1040A>T, p.Asp347Val (NM_012222.3); and 5 more; short protein forms D309V, D322V, D323V, D347V, D294V, D308V, D333V, D207V.
Identifiers: ClinVar variation 4112961 (VCV004112961.1).
Genomic context (GRCh38, chr1:45,331,798, plus strand): 5'-TCCTCCCTGGGGGGCTTGCGGCTGGCCTTTCTGGGGAAGTTGACCACTCCCAGGGTCTGG[T>A]CCCAGGGCTCCGAGGGAGGCAGGCACAGGTGGCACTGTCCAGTGTTGGGAGCTGGGAACG-3'
Protein context (NP_001041639.1, residues 312-332): HLCLPPSEPW[Asp322Val]QTLGVVNFPR

ClinVar aggregate classification (germline): Uncertain significance (1 of 4 stars; one submission).

Conditions:
Hereditary cancer-predisposing syndrome. Also called: Tumor predisposition; Neoplastic Syndromes, Hereditary; Hereditary neoplastic syndrome; Hereditary Cancer Syndrome. Identifiers: Orphanet 140162, MedGen C0027672, MeSH D009386, MONDO:0015356.

Submission:

Ambry Genetics
Classification: Uncertain significance for Hereditary cancer-predisposing syndrome. Last evaluated: 2025-08-27. Review status: criteria provided, single submitter. Criteria: Ambry Variant Classification Scheme 2023. Collection method: clinical testing. Allele origin: germline.
Comment: The p.D350V variant (also known as c.1049A>T), located in coding exon 12 of the MUTYH gene, results from an A to T substitution at nucleotide position 1049. The aspartic acid at codon 350 is replaced by valine, an amino acid with highly dissimilar properties. This amino acid position is conserved. In addition, this alteration is predicted to be tolerated by in silico analysis. Based on the available evidence, the clinical significance of this variant remains unclear.